The following is an entry in ClinVar:

NM_174936.4(PCSK9):c.1723A>G (p.Lys575Glu)

Gene: PCSK9 (proprotein convertase subtilisin/kexin type 9; plus strand). Cytogenetic location: 1p32.3.
Variant type: single nucleotide variant.
Coding change: c.1723A>G on transcript NM_174936.4 (MANE Select); coding-DNA position 1723, A replaced by G.
Protein change: p.Lys575Glu; replaces lysine 575 with glutamic acid.
Molecular consequence: missense variant. On other transcripts: non-coding transcript variant (8).
Genome position (GRCh38, 1-based): chr1:55,061,416, A>G. VCF-style: chr1-55061416-A-G. GRCh37 (hg19) VCF-style: chr1-55527089-A-G.
Other names: c.1846A>G, p.Lys616Glu (NM_001407240.1); c.1765A>G, p.Lys589Glu (NM_001407241.1); c.1726A>G, p.Lys576Glu (NM_001407242.1); c.1666A>G, p.Lys556Glu (NM_001407243.1); c.1549A>G, p.Lys517Glu (NM_001407244.1); c.1531A>G, p.Lys511Glu (NM_001407245.1); c.1348A>G, p.Lys450Glu (NM_001407246.1); c.1222A>G, p.Lys408Glu (NM_001407247.1); short protein forms K575E, K616E, K511E, K408E, K450E, K517E, K556E, K576E.
Identifiers: ClinVar variation 3929787 (VCV003929787.1).
Genomic context (GRCh38, chr1:55,061,416, plus strand): 5'-TGGCTTTCCTCTGCCCCAGGCTGCAGCTCCCACTGGGAGGTGGAGGACCTTGGCACCCAC[A>G]AGCCGCCTGTGCTGAGGCCACGAGGTCAGCCCAACCAGTGCGTGGGCCACAGGGAGGCCA-3'
Protein context (NP_777596.2, residues 565-585): HWEVEDLGTH[Lys575Glu]PPVLRPRGQP

ClinVar aggregate classification (germline): Uncertain significance (1 of 4 stars; one submission).

Conditions:
Cardiovascular phenotype. Identifiers: MedGen CN230736.

Submission:

Ambry Genetics
Classification: Uncertain significance for Cardiovascular phenotype. Last evaluated: 2025-04-13. Review status: criteria provided, single submitter. Criteria: Ambry Variant Classification Scheme 2023. Collection method: clinical testing. Allele origin: germline.
Comment: The p.K575E variant (also known as c.1723A>G), located in coding exon 11 of the PCSK9 gene, results from an A to G substitution at nucleotide position 1723. The lysine at codon 575 is replaced by glutamic acid, an amino acid with similar properties. This amino acid position is conserved. In addition, this alteration is predicted to be tolerated by in silico analysis. Based on the available evidence, the clinical significance of this variant remains unclear.